The following is an entry in ClinVar:

NM_001378609.3(OTOGL):c.5266-7T>C

Gene: OTOGL (otogelin like; plus strand). Cytogenetic location: 12q21.31.
Variant type: single nucleotide variant.
Coding change: c.5266-7T>C on transcript NM_001378609.3 (MANE Select); 7 bases into the intron before coding-DNA position 5266, T replaced by C.
Molecular consequence: intron variant.
Genome position (GRCh38, 1-based): chr12:80,352,288, T>C. VCF-style: chr12-80352288-T-C. GRCh37 (hg19) VCF-style: chr12-80746068-T-C.
Other names: p.?; c.5131-7T>C (NM_001368062.3); c.5266-7T>C (NM_001378610.3, NM_173591.7).
Identifiers: ClinVar variation 226954 (VCV000226954.16), dbSNP rs79120261, ClinGen allele CA6701666.
Genomic context (GRCh38, chr12:80,352,288, plus strand): 5'-AGTCTAGCTTAGGGCTTTCAGAGAAATAAAACAATATAACTTATTTCAAGGCAAAATGTT[T>C]CTCTAGGTTTCACCGGAAGACTTTTGTGAAAAGATGTGGATCAATTATACCTATTTTTGG-3'

ClinVar aggregate classification (germline): Benign. Review status: criteria provided, multiple submitters, no conflicts (2 of 4 stars). 6 submissions from 6 submitters: Benign (6). Last evaluated 2026-02-02.

Allele frequency attached by ClinVar (database versions not stated): 1000 Genomes Project 0.01118; 1000 Genomes Project 30x 0.01296; gnomAD 0.02098 and 0.02057; ESP Exome Variant Server 0.02470; ExAC 0.02149; gnomAD exomes 0.02930 and 0.01958; TOPMed 0.02145.
gnomAD v4.1: 45,403 of 1,602,594 alleles (2.8%); highest among the groups gnomAD compares: Middle Eastern, 3.9%; 809 homozygotes.

Submissions (6):

Labcorp Genetics (formerly Invitae), Labcorp
Classification: Benign. Last evaluated: 2026-02-02. Review status: criteria provided, single submitter. Criteria: Invitae Variant Classification Sherloc (09022015). Collection method: clinical testing. Allele origin: germline.

Mayo Clinic Laboratories, Mayo Clinic
Classification: Benign. Last evaluated: 2021-09-07. Review status: criteria provided, single submitter. Criteria: ACMG Guidelines, 2015. Collection method: clinical testing. Allele origin: germline. Observed: 9 variant alleles.
Comment: BA1, BS1, BS2

Athena Diagnostics
Classification: Benign. Last evaluated: 2018-07-31. Review status: criteria provided, single submitter. Criteria: Athena Diagnostics Criteria. Collection method: clinical testing. Allele origin: germline.

GeneDx
Classification: Benign. Last evaluated: 2017-09-08. Review status: criteria provided, single submitter. Criteria: GeneDx Variant Classification (06012015). Collection method: clinical testing. Allele origin: germline. Affected: yes.
Comment: This variant is considered likely benign or benign based on one or more of the following criteria: it is a conservative change, it occurs at a poorly conserved position in the protein, it is predicted to be benign by multiple in silico algorithms, and/or has population frequency not consistent with disease.

Laboratory for Molecular Medicine, Mass General Brigham Personalized Medicine
Classification: Benign. Last evaluated: 2014-11-24. Review status: criteria provided, single submitter. Criteria: LMM Criteria. Collection method: clinical testing. Allele origin: germline. Observed: 33 variant alleles.
Comment: 5239-7T>C in intron 43 of OTOGL: This variant is not expected to have clinical s ignificance because it has been identified in 3.3% (268/8158) of European Americ an chromosomes from a broad population by the NHLBI Exome Sequencing Project (dbSNP rs79120261).

Breakthrough Genomics
Classification: Benign. Review status: criteria provided, single submitter. Criteria: ACMG Guidelines, 2015. Collection method: not provided. Allele origin: germline. Inheritance: Autosomal recessive inheritance. Affected: yes.